The following is an entry in ClinVar:

NM_000784.4(CYP27A1):c.656A>G (p.Tyr219Cys)

Gene: CYP27A1 (cytochrome P450 family 27 subfamily A member 1; plus strand). Cytogenetic location: 2q35.
Variant type: single nucleotide variant.
Coding change: c.656A>G on transcript NM_000784.4 (MANE Select); coding-DNA position 656, A replaced by G.
Protein change: p.Tyr219Cys; replaces tyrosine 219 with cysteine.
Molecular consequence: missense variant.
Genome position (GRCh38, 1-based): chr2:218,812,561, A>G. VCF-style: chr2-218812561-A-G. GRCh37 (hg19) VCF-style: chr2-219677284-A-G.
Other names: short protein forms Y219C.
Identifiers: ClinVar variation 3232290 (VCV003232290.1), dbSNP rs1321946805, ClinGen allele CA350585879.

ClinVar aggregate classification (germline): Uncertain significance (1 of 4 stars; one submission).

Conditions:
Cardiovascular phenotype. Identifiers: MedGen CN230736.

Allele frequency attached by ClinVar (database versions not stated): gnomAD exomes below 0.00001.
gnomAD v4.1: 5 of 1,614,170 alleles (0.00031%); highest among the groups gnomAD compares: East Asian, 0.0022%; no homozygotes.

Submission:

Ambry Genetics
Classification: Uncertain significance for Cardiovascular phenotype. Last evaluated: 2024-01-14. Review status: criteria provided, single submitter. Criteria: Ambry Variant Classification Scheme 2023. Collection method: clinical testing. Allele origin: germline.
Comment: The p.Y219C variant (also known as c.656A>G), located in coding exon 4 of the CYP27A1 gene, results from an A to G substitution at nucleotide position 656. The tyrosine at codon 219 is replaced by cysteine, an amino acid with highly dissimilar properties. This amino acid position is conserved. In addition, the in silico prediction for this alteration is inconclusive. Since supporting evidence is limited at this time, the clinical significance of this alteration remains unclear.